The following is an entry in ClinVar:

ClinVar aggregate classification (germline): Benign/Likely benign. Review status: criteria provided, multiple submitters, no conflicts (2 of 4 stars). 4 submissions from 4 submitters: Benign (2); Likely benign (2). Last evaluated 2025-10-12.

Conditions:
ILDR1-related disorder. Also called: ILDR1-related condition.

Allele frequency attached by ClinVar (database versions not stated): ExAC 0.00024; 1000 Genomes Project 30x 0.00094; 1000 Genomes Project 0.00100; ESP Exome Variant Server 0.00008; gnomAD 0.00011 and 0.00013; TOPMed 0.00015; gnomAD exomes 0.00021.
gnomAD v4.1: 140 of 1,614,114 alleles (0.0087%); highest among the groups gnomAD compares: East Asian, 0.26%; no homozygotes.

Submissions (4):

Labcorp Genetics (formerly Invitae), Labcorp
Classification: Benign. Last evaluated: 2025-10-12. Review status: criteria provided, single submitter. Criteria: Invitae Variant Classification Sherloc (09022015). Collection method: clinical testing. Allele origin: germline.

PreventionGenetics, part of Exact Sciences
Classification: Likely benign for ILDR1-related condition. Last evaluated: 2025-09-22. Review status: criteria provided, single submitter. Criteria: ACMG Guidelines, 2015. Collection method: clinical testing. Allele origin: germline.
Comment: This variant is classified as likely benign based on ACMG/AMP sequence variant interpretation guidelines (Richards et al. 2015 PMID: 25741868, with internal and published modifications).

GeneDx
Classification: Likely benign. Last evaluated: 2020-11-30. Review status: criteria provided, single submitter. Criteria: GeneDx Variant Classification Process June 2021. Collection method: clinical testing. Allele origin: germline. Affected: yes.

Laboratory for Molecular Medicine, Mass General Brigham Personalized Medicine
Classification: Benign. Last evaluated: 2015-04-17. Review status: criteria provided, single submitter. Criteria: LMM Criteria. Collection method: clinical testing. Allele origin: germline. Observed: 1 variant allele.
Comment: p.Val324Val in Exon 07 of ILDR1: This variant is not expected to have clinical s ignificance because it does not alter an amino acid residue, is not located with in the splice consensus sequence, and has been identified in 0.3% (28/8654) of E ast Asian chromosomes by the Exome Aggregation Consortium (ExAC; dbSNP rs138334785).

NM_001199799.2(ILDR1):c.972C>T (p.Val324=)

Gene: ILDR1 (immunoglobulin like domain containing receptor 1; minus strand). Cytogenetic location: 3q13.33.
Variant type: single nucleotide variant.
Coding change: c.972C>T on transcript NM_001199799.2 (MANE Select); coding-DNA position 972, C replaced by T.
Protein change: p.Val324=; no amino-acid change (valine 324 retained).
Molecular consequence: synonymous variant.
Genome position (GRCh38, 1-based): chr3:121,993,777, G>A on the plus strand (C>T on the coding strand, the complement: ILDR1 is on the minus strand). VCF-style: chr3-121993777-G-A. GRCh37 (hg19) VCF-style: chr3-121712624-G-A.
Other names: c.705C>T, p.Val235= (NM_001199800.2); c.840C>T, p.Val280= (NM_175924.4).
Identifiers: ClinVar variation 74827 (VCV000074827.12), dbSNP rs138334785, ClinGen allele CA2568781.